The following is an entry in ClinVar:

ClinVar aggregate classification (germline): Likely benign. Review status: criteria provided, single submitter (1 of 4 stars). 2 submissions from 2 submitters: Likely benign (1). 1 of the submissions does not count toward it. Last evaluated 2025-12-09.

Conditions:
FAN1-related disorder. Also called: FAN1-related condition.

Allele frequency attached by ClinVar (database versions not stated): gnomAD exomes 0.00004; ExAC 0.00013; gnomAD 0.00050; ESP Exome Variant Server 0.00054; TOPMed 0.00059; 1000 Genomes Project 0.00060; 1000 Genomes Project 30x 0.00078.
gnomAD v4.1: 142 of 1,608,356 alleles (0.0088%); highest among the groups gnomAD compares: African/African-American, 0.17%; no homozygotes.

Submissions (2):

Labcorp Genetics (formerly Invitae), Labcorp
Classification: Likely benign. Last evaluated: 2025-12-09. Review status: criteria provided, single submitter. Criteria: Invitae Variant Classification Sherloc (09022015). Collection method: clinical testing. Allele origin: germline.

PreventionGenetics, part of Exact Sciences
Classification: Likely benign for FAN1-related condition. Last evaluated: 2023-07-07. Review status: no assertion criteria provided. Collection method: clinical testing. Allele origin: germline. Not counted in ClinVar's aggregate classification.
Comment: This variant is classified as likely benign based on ACMG/AMP sequence variant interpretation guidelines (Richards et al. 2015 PMID: 25741868, with internal and published modifications).

NM_014967.5(FAN1):c.5T>C (p.Met2Thr)

Gene: FAN1 (FANCD2 and FANCI associated nuclease 1; plus strand). Cytogenetic location: 15q13.3.
Variant type: single nucleotide variant.
Coding change: c.5T>C on transcript NM_014967.5 (MANE Select); coding-DNA position 5, T replaced by C.
Protein change: p.Met2Thr; replaces methionine 2 with threonine.
Molecular consequence: missense variant.
Genome position (GRCh38, 1-based): chr15:30,904,668, T>C. VCF-style: chr15-30904668-T-C. GRCh37 (hg19) VCF-style: chr15-31196871-T-C.
Other names: c.5T>C (NM_014967.4); c.5T>C, p.Met2Thr (NM_001146094.2, NM_001146095.1, NM_001146096.2); short protein forms M2T.
Identifiers: ClinVar variation 2050391 (VCV002050391.6), dbSNP rs143294144, ClinGen allele CA7449950.
Genomic context (GRCh38, chr15:30,904,668, plus strand): 5'-TTCACCTTAAATATCCTGTGTTTTATTGCTCAGAACATCCAGTTTTTCTAATACTCATGA[T>C]GTCAGAAGGGAAACCTCCTGACAAAAAAAGGCCTCGTAGAAGCTTATCAATCAGCAAGAA-3'
Protein context (NP_055782.3, residues 1-12): M[Met2Thr]SEGKPPDKKR